The following is an entry in ClinVar:

NM_014810.5(CEP350):c.5715A>G (p.Ile1905Met)

Gene: CEP350 (centrosomal protein 350; plus strand). Cytogenetic location: 1q25.2.
Variant type: single nucleotide variant.
Coding change: c.5715A>G on transcript NM_014810.5 (MANE Select); coding-DNA position 5715, A replaced by G.
Protein change: p.Ile1905Met; replaces isoleucine 1905 with methionine.
Molecular consequence: missense variant.
Genome position (GRCh38, 1-based): chr1:180,075,169, A>G. VCF-style: chr1-180075169-A-G. GRCh37 (hg19) VCF-style: chr1-180044304-A-G.
Other names: short protein forms I1905M.
Identifiers: ClinVar variation 774160 (VCV000774160.28), dbSNP rs139352498, ClinGen allele CA1270419.

ClinVar aggregate classification (germline): Likely benign. Review status: criteria provided, multiple submitters, no conflicts (2 of 4 stars). 3 submissions from 3 submitters: Likely benign (3). Last evaluated 2023-01-01.

Allele frequency attached by ClinVar (database versions not stated): 1000 Genomes Project 30x 0.00265; 1000 Genomes Project 0.00319; gnomAD 0.00491; ESP Exome Variant Server 0.00500; TOPMed 0.00519; gnomAD exomes 0.00542 and 0.00587; ExAC 0.00573.
gnomAD v4.1: 9,395 of 1,613,500 alleles (0.58%); highest among the groups gnomAD compares: Middle Eastern, 1.3%; 49 homozygotes.

Submissions (3):

CeGaT Center for Human Genetics Tuebingen
Classification: Likely benign. Last evaluated: 2023-01-01. Review status: criteria provided, single submitter. Criteria: CeGaT Center For Human Genetics Tuebingen Variant Classification Criteria Version 2. Collection method: clinical testing. Allele origin: germline. Affected: yes. Observed: 2 variant alleles.
Comment: CEP350: BP4, BS2

Labcorp Genetics (formerly Invitae), Labcorp
Classification: Likely benign. Last evaluated: 2018-03-06. Review status: criteria provided, single submitter. Criteria: Invitae Variant Classification Sherloc (09022015). Collection method: clinical testing. Allele origin: germline.

Breakthrough Genomics
Classification: Likely benign. Review status: criteria provided, single submitter. Criteria: ACMG Guidelines, 2015. Collection method: not provided. Allele origin: germline. Inheritance: Unknown mechanism. Affected: yes.